The following is an entry in ClinVar:

ClinVar aggregate classification (germline): Uncertain significance (1 of 4 stars; one submission).

Submission:

Labcorp Genetics (formerly Invitae), Labcorp
Classification: Uncertain significance. Last evaluated: 2022-08-12. Review status: criteria provided, single submitter. Criteria: Invitae Variant Classification Sherloc (09022015). Collection method: clinical testing. Allele origin: germline.
Comment: In summary, the available evidence is currently insufficient to determine the role of this variant in disease. Therefore, it has been classified as a Variant of Uncertain Significance. This variant disrupts the p.Cys86 amino acid residue in LMX1B. Other variant(s) that disrupt this residue have been observed in individuals with LMX1B-related conditions (PMID: 10571942, 15928687), which suggests that this may be a clinically significant amino acid residue. Algorithms developed to predict the effect of missense changes on protein structure and function are either unavailable or do not agree on the potential impact of this missense change (SIFT: "Deleterious"; PolyPhen-2: "Probably Damaging"; Align-GVGD: "Class C0"). This missense change has been observed in individual(s) with nail-patella syndrome (Invitae). This variant is not present in population databases (gnomAD no frequency). This sequence change replaces cysteine, which is neutral and slightly polar, with serine, which is neutral and polar, at codon 86 of the LMX1B protein (p.Cys86Ser).

Literature cited by the submitters: PubMed 10571942; PubMed 15928687.

NM_001174147.2(LMX1B):c.257G>C (p.Cys86Ser)

Gene: LMX1B (LIM homeobox transcription factor 1 beta; plus strand). Cytogenetic location: 9q33.3.
Variant type: single nucleotide variant.
Coding change: c.257G>C on transcript NM_001174147.2 (MANE Select); coding-DNA position 257, G replaced by C.
Protein change: p.Cys86Ser; replaces cysteine 86 with serine.
Molecular consequence: missense variant.
Genome position (GRCh38, 1-based): chr9:126,615,500, G>C. VCF-style: chr9-126615500-G-C. GRCh37 (hg19) VCF-style: chr9-129377779-G-C.
Other names: c.257G>C, p.Cys86Ser (NM_001174146.2, NM_002316.4); short protein forms C86S.
Identifiers: ClinVar variation 2023898 (VCV002023898.4), dbSNP rs1554721897, ClinGen allele CA374910099.